The following is an entry in ClinVar:

ClinVar aggregate classification (germline): Uncertain significance (1 of 4 stars; one submission).

Submission:

Labcorp Genetics (formerly Invitae), Labcorp
Classification: Uncertain significance. Last evaluated: 2023-01-14. Review status: criteria provided, single submitter. Criteria: Invitae Variant Classification Sherloc (09022015). Collection method: clinical testing. Allele origin: germline.
Comment: This sequence change replaces valine, which is neutral and non-polar, with phenylalanine, which is neutral and non-polar, at codon 696 of the MSH3 protein (p.Val696Phe). This variant is not present in population databases (gnomAD no frequency). This variant has not been reported in the literature in individuals affected with MSH3-related conditions. Algorithms developed to predict the effect of missense changes on protein structure and function (SIFT, PolyPhen-2, Align-GVGD) all suggest that this variant is likely to be tolerated. In summary, the available evidence is currently insufficient to determine the role of this variant in disease. Therefore, it has been classified as a Variant of Uncertain Significance.

NM_002439.5(MSH3):c.2086G>T (p.Val696Phe)

Gene: MSH3 (mutS homolog 3; plus strand). Cytogenetic location: 5q14.1.
Variant type: single nucleotide variant.
Coding change: c.2086G>T on transcript NM_002439.5 (MANE Select); coding-DNA position 2086, G replaced by T.
Protein change: p.Val696Phe; replaces valine 696 with phenylalanine.
Molecular consequence: missense variant.
Genome position (GRCh38, 1-based): chr5:80,768,836, G>T. VCF-style: chr5-80768836-G-T. GRCh37 (hg19) VCF-style: chr5-80064655-G-T.
Other names: short protein forms V696F.
Identifiers: ClinVar variation 2828575 (VCV002828575.3), dbSNP rs1354292487, ClinGen allele CA360279163.